The following is an entry in ClinVar:

ClinVar aggregate classification (germline): Uncertain significance (1 of 4 stars; one submission).

Allele frequency attached by ClinVar (database versions not stated): TOPMed below 0.00001.

Submission:

Ambry Genetics
Classification: Uncertain significance. Last evaluated: 2023-03-19. Review status: criteria provided, single submitter. Criteria: Ambry Variant Classification Scheme 2023. Collection method: clinical testing. Allele origin: germline.
Comment: The p.L343F variant (also known as c.1027C>T), located in coding exon 3 of the EGLN2 gene, results from a C to T substitution at nucleotide position 1027. The leucine at codon 343 is replaced by phenylalanine, an amino acid with highly similar properties. This amino acid position is conserved. In addition, this alteration is predicted to be tolerated by in silico analysis. Since supporting evidence is limited at this time, the clinical significance of this alteration remains unclear.

NM_080732.4(EGLN2):c.1027C>T (p.Leu343Phe)

Genes: EGLN2 (egl-9 family hypoxia inducible factor 2; plus strand), RAB4B-EGLN2 (RAB4B-EGLN2 readthrough (NMD candidate); plus strand). Cytogenetic location: 19q13.2.
Variant type: single nucleotide variant.
Coding change: c.1027C>T on transcript NM_080732.4 (MANE Select); coding-DNA position 1027, C replaced by T.
Protein change: p.Leu343Phe; replaces leucine 343 with phenylalanine.
Molecular consequence: missense variant. On other transcripts: non-coding transcript variant (1).
Genome position (GRCh38, 1-based): chr19:40,807,201, C>T. VCF-style: chr19-40807201-C-T. GRCh37 (hg19) VCF-style: chr19-41313106-C-T.
Other names: c.1027C>T, p.Leu343Phe (NM_053046.4); short protein forms L343F.
Identifiers: ClinVar variation 2564149 (VCV002564149.2), dbSNP rs1227388795, ClinGen allele CA405956519.